The following is an entry in ClinVar:

ClinVar aggregate classification (germline): Pathogenic/Likely pathogenic. Review status: criteria provided, multiple submitters, no conflicts (2 of 4 stars). 2 submissions from 2 submitters: Pathogenic (1); Likely pathogenic (1). Last evaluated 2025-07-31.

Conditions:
alpha Thalassemia. Also called: Alpha thalassemia spectrum. Identifiers: Orphanet 846, MedGen C0002312, MONDO:0011399, OMIM 604131.

Allele frequency attached by ClinVar (database versions not stated): gnomAD exomes 0.00004; ExAC 0.00023.

Submissions (2):

Natera, Inc.
Classification: Likely pathogenic for Alpha thalassemia. Last evaluated: 2025-07-31. Review status: criteria provided, single submitter. Criteria: Natera Variant Classification Schema (03/2026). Collection method: clinical testing. Allele origin: germline.
Comment: The c.143delA variant in HBA2 is a frameshift variant predicted to shift the reading frame beginning at codon 48 and leads to a stop codon 2 codons downstream. This variant is expected to result in nonsense mediated decay, truncation, or a dysfunctional protein product. This variant is rare in the general population with a frequency below the threshold expected for the associated phenotype(s). This variant has been observed in at least one unaffected individual, with a zygosity that is consistent with the inheritance pattern for the associated condition (in gnomAD and/or literature). Given the available evidence, this variant is classified as Likely Pathogenic.

Genetics and Molecular Pathology, SA Pathology
Classification: Pathogenic for alpha Thalassemia. Last evaluated: 2021-07-23. Review status: criteria provided, single submitter. Criteria: ACMG Guidelines, 2015. Collection method: clinical testing. Allele origin: germline. Inheritance: Autosomal recessive inheritance. Affected: yes.

NM_000517.6(HBA2):c.143del (p.Asp48fs)

Genes: HBA2 (hemoglobin subunit alpha 2; plus strand), LOC106804612 (hemoglobin subunit alpha 2 recombination region; plus strand). Cytogenetic location: 16p13.3.
Variant type: Deletion.
Coding change: c.143del on transcript NM_000517.6 (MANE Select); coding-DNA position 143, one base deleted (A; older notation c.143delA).
Protein change: p.Asp48fs; shifts the reading frame from aspartic acid 48.
Molecular consequence: frameshift variant.
Genome position (GRCh38, 1-based): chr16:173,172, A deleted. VCF-style (leftmost placement, unchanged base first): chr16-173171-GA-G. GRCh37 (hg19) VCF-style: chr16-223170-GA-G.
Other names: c.143delA (NM_000517.6, NM_000517.5); short protein forms D48fs.
Identifiers: ClinVar variation 1698858 (VCV001698858.4), dbSNP rs281864539, ClinGen allele CA7770111.